The following is an entry in ClinVar:

NM_001754.5(RUNX1):c.1290G>A (p.Pro430=)

Gene: RUNX1 (RUNX family transcription factor 1; minus strand). Cytogenetic location: 21q22.12.
Variant type: single nucleotide variant.
Coding change: c.1290G>A on transcript NM_001754.5 (MANE Select); coding-DNA position 1290, G replaced by A.
Protein change: p.Pro430=; no amino-acid change (proline 430 retained).
Molecular consequence: synonymous variant.
Genome position (GRCh38, 1-based): chr21:34,792,288, C>T on the plus strand (G>A on the coding strand, the complement: RUNX1 is on the minus strand). VCF-style: chr21-34792288-C-T. GRCh37 (hg19) VCF-style: chr21-36164585-C-T.
Other names: NM_001754.5(RUNX1):c.1290G>A; p.Pro430=; c.1209G>A, p.Pro403= (NM_001001890.3).
Identifiers: ClinVar variation 740920 (VCV000740920.12), dbSNP rs1336841746, ClinGen allele CA512341107.
Genomic context (GRCh38, chr21:34,792,288, plus strand): 5'-GCTCTGGTTCGGGAGGCTGGGGTTGAGCAGCGCGGAGCCGGTGGAGGCGTTGGTGCAGGG[C>T]GGCAGGATGCGCGGCGGCGAGCGCTCGCCGCCCACCATGGAGAACTGGTAGGAGCCGGCC-3'
Protein context (NP_001745.2, residues 420-440): GGERSPPRIL[Pro430=]PCTNASTGSA

ClinVar aggregate classification (germline): Likely benign. Review status: reviewed by expert panel (3 of 4 stars). 3 submissions from 3 submitters: Likely benign (1). 2 of the submissions do not count toward it. Last evaluated 2024-06-24.

Conditions:
Hereditary thrombocytopenia and hematological cancer predisposition syndrome associated with RUNX1. Also called: RUNX1 Familial Platelet Disorder with Associated Myeloid Malignancies; Familial Platelet Disorder with Propensity to Acute Myelogenous Leukemia; PLATELET DISORDER, ASPIRIN-LIKE; Familial thrombocytopenia with propensity to acute myelogenous leukemia. Identifiers: Orphanet 71290, MedGen C1832388, MeSH C563324, MONDO:0100083, OMIM 601399.
Inborn genetic diseases. Identifiers: MedGen C0950123, MeSH D030342.
Hereditary thrombocytopenia and hematologic cancer predisposition syndrome. Identifiers: Orphanet 71290, MedGen CN281654, MONDO:0011071.

Allele frequency attached by ClinVar (database versions not stated): gnomAD 0.00001; TOPMed 0.00001.
gnomAD v4.1: 15 of 1,539,986 alleles (0.00097%); highest among the groups gnomAD compares: Non-Finnish European, 0.0013%; no homozygotes.

Submissions (3):

ClinGen Myeloid Malignancy Variant Curation Expert Panel
Classification: Likely benign for Hereditary thrombocytopenia and hematologic cancer predisposition syndrome. Last evaluated: 2024-06-24. Review status: reviewed by expert panel. Criteria: ClinGen MyeloMalig ACMG Specifications v2. Collection method: curation. Allele origin: germline. Inheritance: Autosomal dominant inheritance.
Comment: Synonymous variant (no REVEL score applicable), and SpliceAI score is ≤ 0.20 (0.00) (BP4). Evolutionary conservation prediction algorithms predict the site as not being conserved (PhyloP score -0.254 (< 2.0)) (BP7). In summary, this variant meets criteria to be classified as likely benign. ACMG/AMP criteria applied, as specified by the Myeloid Malignancy Variant Curation Expert Panel for RUNX1: BP4, BP7.

Ambry Genetics
Classification: Likely benign for Inborn genetic diseases. Last evaluated: 2025-09-04. Review status: criteria provided, single submitter. Criteria: Ambry Variant Classification Scheme 2023. Collection method: clinical testing. Allele origin: germline. Not counted in ClinVar's aggregate classification.

Labcorp Genetics (formerly Invitae), Labcorp
Classification: Likely benign for Hereditary thrombocytopenia and hematological cancer predisposition syndrome associated with RUNX1. Last evaluated: 2024-09-05. Review status: criteria provided, single submitter. Criteria: Invitae Variant Classification Sherloc (09022015). Collection method: clinical testing. Allele origin: germline. Not counted in ClinVar's aggregate classification.